The following is an entry in ClinVar:

NM_017654.4(SAMD9):c.4593A>C (p.Gln1531His)

Gene: SAMD9 (sterile alpha motif domain containing 9; minus strand). Cytogenetic location: 7q21.2.
Variant type: single nucleotide variant.
Coding change: c.4593A>C on transcript NM_017654.4 (MANE Select); coding-DNA position 4593, A replaced by C.
Protein change: p.Gln1531His; replaces glutamine 1531 with histidine.
Molecular consequence: missense variant.
Genome position (GRCh38, 1-based): chr7:93,101,505, T>G on the plus strand (A>C on the coding strand, the complement: SAMD9 is on the minus strand). VCF-style: chr7-93101505-T-G. GRCh37 (hg19) VCF-style: chr7-92730818-T-G.
Other names: c.4593A>C, p.Gln1531His (NM_001193307.2); short protein forms Q1531H.
Identifiers: ClinVar variation 3791909 (VCV003791909.1).

ClinVar aggregate classification (germline): Uncertain significance (1 of 4 stars; one submission).

Conditions:
Inborn genetic diseases. Identifiers: MedGen C0950123, MeSH D030342.

Submission:

Ambry Genetics
Classification: Uncertain significance for Inborn genetic diseases. Last evaluated: 2024-12-15. Review status: criteria provided, single submitter. Criteria: Ambry Variant Classification Scheme 2023. Collection method: clinical testing. Allele origin: germline.
Comment: The p.Q1531H variant (also known as c.4593A>C), located in coding exon 1 of the SAMD9 gene, results from an A to C substitution at nucleotide position 4593. The glutamine at codon 1531 is replaced by histidine, an amino acid with highly similar properties. This amino acid position is conserved. In addition, this alteration is predicted to be tolerated by in silico analysis. Based on the available evidence, the clinical significance of this variant remains unclear.